The following is an entry in ClinVar:

ClinVar aggregate classification (germline): Likely pathogenic (1 of 4 stars; one submission).

Allele frequency attached by ClinVar (database versions not stated): gnomAD exomes below 0.00001.

Submission:

Labcorp Genetics (formerly Invitae), Labcorp
Classification: Likely pathogenic. Last evaluated: 2022-10-08. Review status: criteria provided, single submitter. Criteria: Invitae Variant Classification Sherloc (09022015). Collection method: clinical testing. Allele origin: germline.
Comment: In summary, the currently available evidence indicates that the variant is pathogenic, but additional data are needed to prove that conclusively. Therefore, this variant has been classified as Likely Pathogenic. Algorithms developed to predict the effect of sequence changes on RNA splicing suggest that this variant may disrupt the consensus splice site. ClinVar contains an entry for this variant (Variation ID: 639722). This variant has not been reported in the literature in individuals affected with SEPSECS-related conditions. This variant is not present in population databases (gnomAD no frequency). This sequence change affects an acceptor splice site in intron 9 of the SEPSECS gene. It is expected to disrupt RNA splicing. Variants that disrupt the donor or acceptor splice site typically lead to a loss of protein function (PMID: 16199547), and loss-of-function variants in SEPSECS are known to be pathogenic (PMID: 25558065, 25590979, 26115735).

Literature cited by the submitters: PubMed 16199547; PubMed 25558065; PubMed 25590979; PubMed 26115735.

NM_016955.4(SEPSECS):c.1121-1G>T

Gene: SEPSECS (Sep (O-phosphoserine) tRNA:Sec (selenocysteine) tRNA synthase; minus strand). Cytogenetic location: 4p15.2.
Variant type: single nucleotide variant.
Coding change: c.1121-1G>T on transcript NM_016955.4 (MANE Select); the canonical splice acceptor site of the intron before coding-DNA position 1121, G replaced by T.
Molecular consequence: splice acceptor variant.
Genome position (GRCh38, 1-based): chr4:25,125,785, C>A on the plus strand (G>T on the coding strand, the complement: SEPSECS is on the minus strand). VCF-style: chr4-25125785-C-A. GRCh37 (hg19) VCF-style: chr4-25127407-C-A.
Other names: c.1376-1G>T (NM_001410714.1).
Identifiers: ClinVar variation 639722 (VCV000639722.7), dbSNP rs1577599764, ClinGen allele CA356533401.